The following is an entry in ClinVar:

ClinVar aggregate classification (germline): Uncertain significance. Review status: criteria provided, multiple submitters, no conflicts (2 of 4 stars). 2 submissions from 2 submitters: Uncertain significance (2). Last evaluated 2023-01-17.

Conditions:
Inborn genetic diseases. Identifiers: MedGen C0950123, MeSH D030342.
Charcot-Marie-Tooth disease type 2. Also called: Charcot-Marie-Tooth type 2. Identifiers: Orphanet 64746, MedGen C0270914, MONDO:0018993.

gnomAD v4.1: 1 of 1,614,182 alleles (0.000062%); highest among the groups gnomAD compares: Non-Finnish European, 0.000085%; no homozygotes.

Submissions (2):

Ambry Genetics
Classification: Uncertain significance for Inborn genetic diseases. Last evaluated: 2023-01-17. Review status: criteria provided, single submitter. Criteria: Ambry Variant Classification Scheme 2023. Collection method: clinical testing. Allele origin: germline.
Comment: The c.312-3T>A intronic alteration results from a T to A substitution 3 nucleotides before coding exon 3 of the MFN2 gene. This variant was not reported in population-based cohorts in the Genome Aggregation Database (gnomAD). This nucleotide position is not well conserved in available vertebrate species. In silico splice site analysis predicts that this alteration will not have any significant effect on splicing. Based on insufficient or conflicting evidence, the clinical significance of this alteration remains unclear.

Labcorp Genetics (formerly Invitae), Labcorp
Classification: Uncertain significance for Charcot-Marie-Tooth disease type 2. Last evaluated: 2022-10-25. Review status: criteria provided, single submitter. Criteria: Invitae Variant Classification Sherloc (09022015). Collection method: clinical testing. Allele origin: germline.
Comment: This sequence change falls in intron 4 of the MFN2 gene. It does not directly change the encoded amino acid sequence of the MFN2 protein. It affects a nucleotide within the consensus splice site. This variant is not present in population databases (gnomAD no frequency). This variant has not been reported in the literature in individuals affected with MFN2-related conditions. Variants that disrupt the consensus splice site are a relatively common cause of aberrant splicing (PMID: 17576681, 9536098). Algorithms developed to predict the effect of sequence changes on RNA splicing suggest that this variant may create or strengthen a splice site. In summary, the available evidence is currently insufficient to determine the role of this variant in disease. Therefore, it has been classified as a Variant of Uncertain Significance.

Literature cited by the submitters: PubMed 17576681 (cited by Labcorp Genetics (formerly Invitae), Labcorp); PubMed 9536098 (cited by Labcorp Genetics (formerly Invitae), Labcorp).

NM_014874.4(MFN2):c.312-3T>A

Gene: MFN2 (mitofusin 2; plus strand). Cytogenetic location: 1p36.22.
Variant type: single nucleotide variant.
Coding change: c.312-3T>A on transcript NM_014874.4 (MANE Select); 3 bases into the intron before coding-DNA position 312, T replaced by A.
Molecular consequence: intron variant.
Genome position (GRCh38, 1-based): chr1:11,996,153, T>A. VCF-style: chr1-11996153-T-A. GRCh37 (hg19) VCF-style: chr1-12056210-T-A.
Other names: c.312-3T>A (NM_001127660.2, NM_014874.3).
Identifiers: ClinVar variation 1996531 (VCV001996531.6), dbSNP rs2523010184, ClinGen allele CA2580060539.